The following is an entry in ClinVar:

ClinVar aggregate classification (germline): Pathogenic. Review status: criteria provided, single submitter (1 of 4 stars). 2 submissions from 2 submitters: Pathogenic (1). 1 of the submissions does not count toward it. Last evaluated 2023-06-27.

Conditions:
Autosomal recessive osteopetrosis 1. Also called: TCIRG1-Related Autosomal Recessive Osteopetrosis; TCIRG1-Related Osteopetrosis; ALBERS-SCHONBERG DISEASE, AUTOSOMAL RECESSIVE. Identifiers: Orphanet 667, MedGen C1850127, MONDO:0009815, OMIM 259700.

Submissions (2):

Labcorp Genetics (formerly Invitae), Labcorp
Classification: Pathogenic. Last evaluated: 2023-06-27. Review status: criteria provided, single submitter. Criteria: Invitae Variant Classification Sherloc (09022015). Collection method: clinical testing. Allele origin: germline.
Comment: ClinVar contains an entry for this variant (Variation ID: 555046). For these reasons, this variant has been classified as Pathogenic. Algorithms developed to predict the effect of sequence changes on RNA splicing suggest that this variant may disrupt the consensus splice site. Disruption of this splice site has been observed in individuals with osteopetrosis (PMID: 11532986, 18715141, 30898715). This variant is not present in population databases (gnomAD no frequency). This sequence change affects a donor splice site in intron 6 of the TCIRG1 gene. It is expected to disrupt RNA splicing. Variants that disrupt the donor or acceptor splice site typically lead to a loss of protein function (PMID: 16199547), and loss-of-function variants in TCIRG1 are known to be pathogenic (PMID: 10888887, 10942435, 11532986, 19448635).

Counsyl
Classification: Likely pathogenic for Autosomal recessive osteopetrosis 1. Last evaluated: 2017-11-16. Review status: no assertion criteria provided. Collection method: clinical testing. Allele origin: unknown. Not counted in ClinVar's aggregate classification.

Literature cited by the submitters: PubMed 11532986 (cited by Labcorp Genetics (formerly Invitae), Labcorp); PubMed 18715141 (cited by Labcorp Genetics (formerly Invitae), Labcorp); PubMed 30898715 (cited by Labcorp Genetics (formerly Invitae), Labcorp); PubMed 16199547 (cited by Labcorp Genetics (formerly Invitae), Labcorp); PubMed 10888887 (cited by Labcorp Genetics (formerly Invitae), Labcorp); PubMed 10942435 (cited by Labcorp Genetics (formerly Invitae), Labcorp); PubMed 19448635 (cited by Labcorp Genetics (formerly Invitae), Labcorp).

NM_006019.4(TCIRG1):c.630+1G>T

Gene: TCIRG1 (T cell immune regulator 1, ATPase H+ transporting V0 subunit a3; plus strand). Cytogenetic location: 11q13.2.
Variant type: single nucleotide variant.
Coding change: c.630+1G>T on transcript NM_006019.4 (MANE Select); the canonical splice donor site of the intron after coding-DNA position 630, G replaced by T.
Molecular consequence: splice donor variant.
Genome position (GRCh38, 1-based): chr11:68,043,498, G>T. VCF-style: chr11-68043498-G-T. GRCh37 (hg19) VCF-style: chr11-67810965-G-T.
Other names: c.-281+1G>T (NM_001351059.2); c.-19+1G>T (NM_006053.4).
Identifiers: ClinVar variation 555046 (VCV000555046.5), dbSNP rs1554995582, ClinGen allele CA381578327.